The following is an entry in ClinVar:

NM_005235.3(ERBB4):c.1573C>T (p.Arg525Cys)

Gene: ERBB4 (erb-b2 receptor tyrosine kinase 4; minus strand). Cytogenetic location: 2q34.
Variant type: single nucleotide variant.
Coding change: c.1573C>T on transcript NM_005235.3 (MANE Select); coding-DNA position 1573, C replaced by T.
Protein change: p.Arg525Cys; replaces arginine 525 with cysteine.
Molecular consequence: missense variant.
Genome position (GRCh38, 1-based): chr2:211,679,101, G>A on the plus strand (C>T on the coding strand, the complement: ERBB4 is on the minus strand). VCF-style: chr2-211679101-G-A. GRCh37 (hg19) VCF-style: chr2-212543826-G-A.
Other names: c.1573C>T, p.Arg525Cys (NM_001042599.2); short protein forms R525C.
Identifiers: ClinVar variation 2983326 (VCV002983326.3), dbSNP rs775988789, ClinGen allele CA2088101.

ClinVar aggregate classification (germline): Uncertain significance (1 of 4 stars; one submission).

Allele frequency attached by ClinVar (database versions not stated): ExAC 0.00001; gnomAD 0.00001; TOPMed 0.00001; gnomAD exomes 0.00002.
gnomAD v4.1: 32 of 1,613,464 alleles (0.002%); highest among the groups gnomAD compares: East Asian, 0.0022%; no homozygotes.

Submission:

Labcorp Genetics (formerly Invitae), Labcorp
Classification: Uncertain significance. Last evaluated: 2023-08-16. Review status: criteria provided, single submitter. Criteria: Invitae Variant Classification Sherloc (09022015). Collection method: clinical testing. Allele origin: germline.
Comment: This variant is present in population databases (rs775988789, gnomAD 0.003%). In summary, the available evidence is currently insufficient to determine the role of this variant in disease. Therefore, it has been classified as a Variant of Uncertain Significance. Advanced modeling of protein sequence and biophysical properties (such as structural, functional, and spatial information, amino acid conservation, physicochemical variation, residue mobility, and thermodynamic stability) performed at Invitae indicates that this missense variant is not expected to disrupt ERBB4 protein function. This variant has not been reported in the literature in individuals affected with ERBB4-related conditions. This sequence change replaces arginine, which is basic and polar, with cysteine, which is neutral and slightly polar, at codon 525 of the ERBB4 protein (p.Arg525Cys).